The following is an entry in ClinVar:

ClinVar aggregate classification (germline): Uncertain significance. Review status: criteria provided, multiple submitters, no conflicts (2 of 4 stars). 2 submissions from 2 submitters: Uncertain significance (2). Last evaluated 2022-09-06.

Conditions:
Naxos disease (NXD). Also called: WOOLLY HAIR, PALMOPLANTAR KERATODERMA, AND CARDIAC ABNORMALITIES; CARDIOMYOPATHY, ARRHYTHMOGENIC RIGHT VENTRICULAR, WITH SKIN, HAIR, AND NAIL ABNORMALITIES; KERATOSIS PALMOPLANTARIS WITH ARRHYTHMOGENIC CARDIOMYOPATHY; MAL DE NAXOS; PALMOPLANTAR KERATODERMA WITH ARRHYTHMOGENIC RIGHT VENTRICULAR CARDIOMYOPATHY AND WOOLLY HAIR. Identifiers: Orphanet 34217, MedGen C1832600, MONDO:0011017, OMIM 601214.
Arrhythmogenic right ventricular dysplasia 12. Also called: ARRHYTHMOGENIC RIGHT VENTRICULAR DYSPLASIA, FAMILIAL, 12. Identifiers: MedGen C1969081, MONDO:0012684, OMIM 611528.

Submissions (2):

Labcorp Genetics (formerly Invitae), Labcorp
Classification: Uncertain significance for Arrhythmogenic right ventricular dysplasia 12; Naxos disease. Last evaluated: 2022-09-06. Review status: criteria provided, single submitter. Criteria: Invitae Variant Classification Sherloc (09022015). Collection method: clinical testing. Allele origin: germline.
Comment: This variant has not been reported in the literature in individuals affected with JUP-related conditions. ClinVar contains an entry for this variant (Variation ID: 505271). Algorithms developed to predict the effect of missense changes on protein structure and function (SIFT, PolyPhen-2, Align-GVGD) all suggest that this variant is likely to be tolerated. In summary, the available evidence is currently insufficient to determine the role of this variant in disease. Therefore, it has been classified as a Variant of Uncertain Significance. This variant is not present in population databases (gnomAD no frequency). This sequence change replaces proline, which is neutral and non-polar, with histidine, which is basic and polar, at codon 549 of the JUP protein (p.Pro549His).

Laboratory for Molecular Medicine, Mass General Brigham Personalized Medicine
Classification: Uncertain significance. Last evaluated: 2016-08-04. Review status: criteria provided, single submitter. Criteria: LMM Criteria. Collection method: clinical testing. Allele origin: germline. Observed: 1 variant allele.
Comment: The p.Pro549His variant in JUP has not been previously reported in individuals w ith cardiomyopathy, and was absent from large population studies. Computational prediction tools and conservation analysis do not provide strong support for or against an impact to the protein. In summary, the clinical significance of the p .Pro549His variant is uncertain.

NM_002230.4(JUP):c.1646C>A (p.Pro549His)

Gene: JUP (junction plakoglobin; minus strand). Cytogenetic location: 17q21.2.
Variant type: single nucleotide variant.
Coding change: c.1646C>A on transcript NM_002230.4 (MANE Select); coding-DNA position 1646, C replaced by A.
Protein change: p.Pro549His; replaces proline 549 with histidine.
Molecular consequence: missense variant.
Genome position (GRCh38, 1-based): chr17:41,758,722, G>T on the plus strand (C>A on the coding strand, the complement: JUP is on the minus strand). VCF-style: chr17-41758722-G-T. GRCh37 (hg19) VCF-style: chr17-39914974-G-T.
Other names: c.1646C>A, p.Pro549His (NM_001352773.2, NM_001352774.2, NM_001352775.2 and 3 more transcripts); short protein forms P549H.
Identifiers: ClinVar variation 505271 (VCV000505271.9), dbSNP rs1555599683, ClinGen allele CA399493470.